The following is an entry in ClinVar:

ClinVar aggregate classification (germline): Uncertain significance (1 of 4 stars; one submission).

Conditions:
Hereditary cancer-predisposing syndrome. Also called: Neoplastic Syndromes, Hereditary; Tumor predisposition; Hereditary neoplastic syndrome; Hereditary Cancer Syndrome. Identifiers: Orphanet 140162, MedGen C0027672, MeSH D009386, MONDO:0015356.

Submission:

Ambry Genetics
Classification: Uncertain significance for Hereditary cancer-predisposing syndrome. Last evaluated: 2026-07-06. Review status: criteria provided, single submitter. Criteria: Ambry Variant Classification Scheme 2023. Collection method: clinical testing. Allele origin: germline.
Comment: The p.S832I variant (also known as c.2495G>T), located in coding exon 14 of the RET gene, results from a G to T substitution at nucleotide position 2495. The serine at codon 832 is replaced by isoleucine, an amino acid with dissimilar properties. This amino acid position is conserved. In addition, the in silico prediction for this alteration is inconclusive. Based on the available evidence, the clinical significance of this variant remains unclear.

NM_020975.6(RET):c.2495G>T (p.Ser832Ile)

Gene: RET (ret proto-oncogene; plus strand). Cytogenetic location: 10q11.21.
Variant type: single nucleotide variant.
Coding change: c.2495G>T on transcript NM_020975.6 (MANE Select); coding-DNA position 2495, G replaced by T.
Protein change: p.Ser832Ile; replaces serine 832 with isoleucine.
Molecular consequence: missense variant.
Genome position (GRCh38, 1-based): chr10:43,119,633, G>T. VCF-style: chr10-43119633-G-T. GRCh37 (hg19) VCF-style: chr10-43615081-G-T.
Other names: c.2360G>T, p.Ser787Ile (NM_001406763.1, NM_001406765.1); c.2366G>T, p.Ser789Ile (NM_001406764.1, NM_001406761.1, NM_001406762.1); c.2207G>T, p.Ser736Ile (NM_001406766.1, NM_001406767.1, NM_001406770.1); c.2231G>T, p.Ser744Ile (NM_001406768.1); c.2099G>T, p.Ser700Ile (NM_001406769.1, NM_001406772.1); c.2057G>T, p.Ser686Ile (NM_001406771.1, NM_001406773.1); c.1598G>T, p.Ser533Ile (NM_001406782.1, NM_001406779.1, NM_001406780.1 and 1 more transcripts); c.1469G>T, p.Ser490Ile (NM_001406783.1, NM_001406786.1); and 10 more; short protein forms S488I, S490I, S493I, S700I, S744I, S590I, S686I, S787I.
Identifiers: ClinVar variation 5028168 (VCV005028168.1).